The following is an entry in ClinVar:

ClinVar aggregate classification (germline): Uncertain significance (1 of 4 stars; one submission).

Submission:

GeneDx
Classification: Uncertain significance. Last evaluated: 2018-05-21. Review status: criteria provided, single submitter. Criteria: GeneDx Variant Classification (06012015). Collection method: clinical testing. Allele origin: germline. Affected: yes.
Comment: A variant of uncertain significance has been identified in the UBE3A gene. The P815S variant has not been published as a pathogenic variant, nor has it been reported as a benign variant to our knowledge. The P815S variant is not observed in large population cohorts (Lek et al., 2016). The P815S variant is a non-conservative amino acid substitution, which is likely to impact secondary protein structure as these residues differ in polarity, charge, size and/or other properties. In-silico analyses, including protein predictors and evolutionary conservation, support a deleterious effect. Based on the currently available information, it is unclear whether this variant is a pathogenic variant or a rare benign variant.

NM_130839.5(UBE3A):c.2503C>T (p.Pro835Ser)

Genes: SNHG14 (small nucleolar RNA host gene 14; plus strand), UBE3A (ubiquitin protein ligase E3A; minus strand). Cytogenetic location: 15q11.2.
Variant type: single nucleotide variant.
Coding change: c.2503C>T on transcript NM_130839.5 (MANE Select); coding-DNA position 2503, C replaced by T.
Protein change: p.Pro835Ser; replaces proline 835 with serine.
Molecular consequence: missense variant. On other transcripts: non-coding transcript variant (1).
Genome position (GRCh38, 1-based): chr15:25,339,253, G>A on the plus strand (C>T on the coding strand, the complement: UBE3A is on the minus strand). VCF-style: chr15-25339253-G-A. GRCh37 (hg19) VCF-style: chr15-25584400-G-A.
Other names: c.2512C>T, p.Pro838Ser (NM_000462.5); c.2503C>T, p.Pro835Ser (NM_001354505.1, NM_001354538.2); c.2443C>T, p.Pro815Ser (NM_001354506.2, NM_001354507.2, NM_001354508.2 and 14 more transcripts); c.2347C>T, p.Pro783Ser (NM_001354545.2); c.2326C>T, p.Pro776Ser (NM_001354546.2); c.2287C>T, p.Pro763Ser (NM_001354547.2, NM_001354548.2); c.2278C>T, p.Pro760Ser (NM_001354549.2); c.1252C>T, p.Pro418Ser (NM_001354550.2); and 1 more; short protein forms P815S, P760S, P763S, P783S, P835S, P838S, P398S, P418S.
Identifiers: ClinVar variation 546446 (VCV000546446.2), dbSNP rs1555379920, ClinGen allele CA391350727.